The following is an entry in ClinVar:

NM_001009944.3(PKD1):c.2670C>T (p.Asn890=)

Gene: PKD1 (polycystin 1, transient receptor potential channel interacting; minus strand). Cytogenetic location: 16p13.3.
Variant type: single nucleotide variant.
Coding change: c.2670C>T on transcript NM_001009944.3 (MANE Select); coding-DNA position 2670, C replaced by T.
Protein change: p.Asn890=; no amino-acid change (asparagine 890 retained).
Molecular consequence: synonymous variant.
Genome position (GRCh38, 1-based): chr16:2,114,353, G>A on the plus strand (C>T on the coding strand, the complement: PKD1 is on the minus strand). VCF-style: chr16-2114353-G-A. GRCh37 (hg19) VCF-style: chr16-2164354-G-A.
Other names: p.Asn890=; c.2670C>T, p.Asn890= (NM_000296.4).
Identifiers: ClinVar variation 2443210 (VCV002443210.8), dbSNP rs547601879, ClinGen allele CA7833137.

ClinVar aggregate classification (germline): Benign/Likely benign. Review status: criteria provided, multiple submitters, no conflicts (2 of 4 stars). 6 submissions from 6 submitters: Benign (1); Likely benign (3). 2 of the submissions do not count toward it. Last evaluated 2026-05-02.

Conditions:
PKD1-related disorder. Also called: PKD1-related condition.
Polycystic kidney disease, adult type (PKD1). Also called: Polycystic Kidney, Autosomal Dominant; Polycystic Kidney Disease 1, Autosomal Dominant; Polycystic kidney disease 1; Polycystic kidney disease 1, severe; POLYCYSTIC KIDNEY DISEASE, ADULT, TYPE I; POLYCYSTIC KIDNEY DISEASE 1 WITH OR WITHOUT POLYCYSTIC LIVER DISEASE. Identifiers: MedGen C3149841, MONDO:0008263, OMIM 173900.

Allele frequency attached by ClinVar (database versions not stated): gnomAD exomes 0.00032; gnomAD 0.00034; TOPMed 0.00057; ExAC 0.00080; 1000 Genomes Project 30x 0.00156; 1000 Genomes Project 0.00180.
gnomAD v4.1: 515 of 1,610,270 alleles (0.032%); highest among the groups gnomAD compares: East Asian, 0.83%; 3 homozygotes.

Submissions (6):

Women's Health and Genetics/Laboratory Corporation of America, LabCorp
Classification: Likely benign. Last evaluated: 2026-05-02. Review status: criteria provided, single submitter. Criteria: LabCorp Variant Classification Summary - May 2015. Collection method: clinical testing. Allele origin: germline.

Mayo Clinic Laboratories, Mayo Clinic
Classification: Likely benign. Last evaluated: 2025-09-12. Review status: criteria provided, single submitter. Criteria: ACMG Guidelines, 2015. Collection method: clinical testing. Allele origin: germline. Observed: 2 variant alleles.
Comment: BS1, BP4, BP7

Blueprint Genetics
Classification: Benign. Last evaluated: 2024-07-03. Review status: criteria provided, single submitter. Criteria: ACMG Guidelines, 2015. Collection method: clinical testing. Allele origin: germline.

Department of Pathology and Laboratory Medicine, Sinai Health System
Classification: Likely benign for Polycystic kidney disease, adult type. Last evaluated: 2020-10-14. Review status: criteria provided, single submitter. Criteria: ACMG Guidelines, 2015. Collection method: clinical testing. Allele origin: germline.

Genetic Services Laboratory, University of Chicago
Classification: Likely benign. Last evaluated: 2022-12-20. Review status: no assertion criteria provided. Collection method: clinical testing. Allele origin: germline. Affected: no. Not counted in ClinVar's aggregate classification.

PreventionGenetics, part of Exact Sciences
Classification: Likely benign for PKD1-related condition. Last evaluated: 2019-06-26. Review status: no assertion criteria provided. Collection method: clinical testing. Allele origin: germline. Not counted in ClinVar's aggregate classification.
Comment: This variant is classified as likely benign based on ACMG/AMP sequence variant interpretation guidelines (Richards et al. 2015 PMID: 25741868, with internal and published modifications).